The following is an entry in ClinVar:

NM_001040108.2(MLH3):c.869T>C (p.Met290Thr)

Gene: MLH3 (mutL homolog 3; minus strand). Cytogenetic location: 14q24.3.
Variant type: single nucleotide variant.
Coding change: c.869T>C on transcript NM_001040108.2 (MANE Select); coding-DNA position 869, T replaced by C.
Protein change: p.Met290Thr; replaces methionine 290 with threonine.
Molecular consequence: missense variant.
Genome position (GRCh38, 1-based): chr14:75,048,787, A>G on the plus strand (T>C on the coding strand, the complement: MLH3 is on the minus strand). VCF-style: chr14-75048787-A-G. GRCh37 (hg19) VCF-style: chr14-75515490-A-G.
Other names: c.869T>C, p.Met290Thr (NM_014381.3); short protein forms M290T.
Identifiers: ClinVar variation 1764346 (VCV001764346.2), dbSNP rs1892450925, ClinGen allele CA390448855.

ClinVar aggregate classification (germline): Uncertain significance (1 of 4 stars; one submission).

Allele frequency attached by ClinVar (database versions not stated): gnomAD 0.00001.

Submission:

Ambry Genetics
Classification: Uncertain significance. Last evaluated: 2022-08-09. Review status: criteria provided, single submitter. Criteria: Ambry Variant Classification Scheme 2023. Collection method: clinical testing. Allele origin: germline.
Comment: The p.M290T variant (also known as c.869T>C), located in coding exon 1 of the MLH3 gene, results from a T to C substitution at nucleotide position 869. The methionine at codon 290 is replaced by threonine, an amino acid with similar properties. This amino acid position is conserved. In addition, this alteration is predicted to be tolerated by in silico analysis. Since supporting evidence is limited at this time, the clinical significance of this alteration remains unclear.